The following is an entry in ClinVar:

ClinVar aggregate classification (germline): Uncertain significance (1 of 4 stars; one submission).

Conditions:
Spinocerebellar ataxia, autosomal recessive, with axonal neuropathy 2 (SCAN2). Also called: Ataxia-ocular apraxia-2; ATAXIA-OCULOMOTOR APRAXIA 2; Ataxia with Oculomotor Apraxia; Ataxia with Oculomotor Apraxia Type 2. Identifiers: Orphanet 64753, MedGen C1853761, MONDO:0018996, OMIM 606002.
Amyotrophic lateral sclerosis type 4 (ALS4). Also called: AMYOTROPHIC LATERAL SCLEROSIS 4, JUVENILE; NEURONOPATHY, DISTAL HEREDITARY MOTOR, WITH PYRAMIDAL FEATURES. Identifiers: Orphanet 357043, MedGen C1865409, MONDO:0011223, OMIM 602433.

Submission:

Labcorp Genetics (formerly Invitae), Labcorp
Classification: Uncertain significance for Amyotrophic lateral sclerosis type 4; Spinocerebellar ataxia, autosomal recessive, with axonal neuropathy 2. Last evaluated: 2024-05-02. Review status: criteria provided, single submitter. Criteria: Invitae Variant Classification Sherloc (09022015). Collection method: clinical testing. Allele origin: germline.
Comment: This sequence change replaces glycine, which is neutral and non-polar, with cysteine, which is neutral and slightly polar, at codon 1562 of the SETX protein (p.Gly1562Cys). This variant is not present in population databases (gnomAD no frequency). This variant has not been reported in the literature in individuals affected with SETX-related conditions. Advanced modeling of protein sequence and biophysical properties (such as structural, functional, and spatial information, amino acid conservation, physicochemical variation, residue mobility, and thermodynamic stability) performed at Invitae indicates that this missense variant is not expected to disrupt SETX protein function with a negative predictive value of 95%. In summary, the available evidence is currently insufficient to determine the role of this variant in disease. Therefore, it has been classified as a Variant of Uncertain Significance.

NM_015046.7(SETX):c.4684G>T (p.Gly1562Cys)

Gene: SETX (senataxin; minus strand). Cytogenetic location: 9q34.13.
Variant type: single nucleotide variant.
Coding change: c.4684G>T on transcript NM_015046.7 (MANE Select); coding-DNA position 4684, G replaced by T.
Protein change: p.Gly1562Cys; replaces glycine 1562 with cysteine.
Molecular consequence: missense variant.
Genome position (GRCh38, 1-based): chr9:132,326,914, C>A on the plus strand (G>T on the coding strand, the complement: SETX is on the minus strand). VCF-style: chr9-132326914-C-A. GRCh37 (hg19) VCF-style: chr9-135202301-C-A.
Other names: c.4684G>T, p.Gly1562Cys (NM_001351527.2, NM_001351528.2); short protein forms G1562C.
Identifiers: ClinVar variation 3762957 (VCV003762957.2).